The following is an entry in ClinVar:

ClinVar aggregate classification (germline): Uncertain significance. Review status: criteria provided, multiple submitters, no conflicts (2 of 4 stars). 2 submissions from 2 submitters: Uncertain significance (2). Last evaluated 2022-07-19.

Conditions:
Hereditary cancer-predisposing syndrome. Also called: Tumor predisposition; Hereditary neoplastic syndrome; Hereditary Cancer Syndrome; Neoplastic Syndromes, Hereditary. Identifiers: Orphanet 140162, MedGen C0027672, MeSH D009386, MONDO:0015356.
BAP1-related tumor predisposition syndrome (TPDS1). Also called: TUMOR PREDISPOSITION SYNDROME 1; Tumor susceptibility linked to germline BAP1 mutations; BAP1 tumor predisposition syndrome; COMMON Syndrome. Identifiers: Orphanet 289539, MedGen C3280492, MONDO:0013692, OMIM 614327.

Submissions (2):

Labcorp Genetics (formerly Invitae), Labcorp
Classification: Uncertain significance for BAP1-related tumor predisposition syndrome. Last evaluated: 2022-07-19. Review status: criteria provided, single submitter. Criteria: Invitae Variant Classification Sherloc (09022015). Collection method: clinical testing. Allele origin: germline.
Comment: ClinVar contains an entry for this variant (Variation ID: 1053145). In summary, the available evidence is currently insufficient to determine the role of this variant in disease. Therefore, it has been classified as a Variant of Uncertain Significance. Algorithms developed to predict the effect of missense changes on protein structure and function are either unavailable or do not agree on the potential impact of this missense change (SIFT: "Tolerated"; PolyPhen-2: "Possibly Damaging"; Align-GVGD: "Class C0"). This variant has not been reported in the literature in individuals affected with BAP1-related conditions. This variant is not present in population databases (gnomAD no frequency). This sequence change replaces leucine, which is neutral and non-polar, with valine, which is neutral and non-polar, at codon 152 of the BAP1 protein (p.Leu152Val).

Ambry Genetics
Classification: Uncertain significance for Hereditary cancer-predisposing syndrome. Last evaluated: 2021-01-25. Review status: criteria provided, single submitter. Criteria: Ambry Variant Classification Scheme 2023. Collection method: clinical testing. Allele origin: germline.
Comment: The p.L152V variant (also known as c.454C>G), located in coding exon 7 of the BAP1 gene, results from a C to G substitution at nucleotide position 454. The leucine at codon 152 is replaced by valine, an amino acid with highly similar properties. This amino acid position is highly conserved in available vertebrate species. In addition, this alteration is predicted to be tolerated by in silico analysis. Since supporting evidence is limited at this time, the clinical significance of this alteration remains unclear.

NM_004656.4(BAP1):c.454C>G (p.Leu152Val)

Gene: BAP1 (BRCA1 associated deubiquitinase 1; minus strand). Cytogenetic location: 3p21.1.
Variant type: single nucleotide variant.
Coding change: c.454C>G on transcript NM_004656.4 (MANE Select); coding-DNA position 454, C replaced by G.
Protein change: p.Leu152Val; replaces leucine 152 with valine.
Molecular consequence: missense variant.
Genome position (GRCh38, 1-based): chr3:52,407,300, G>C on the plus strand (C>G on the coding strand, the complement: BAP1 is on the minus strand). VCF-style: chr3-52407300-G-C. GRCh37 (hg19) VCF-style: chr3-52441316-G-C.
Other names: short protein forms L152V.
Identifiers: ClinVar variation 1053145 (VCV001053145.7), dbSNP rs887658889, ClinGen allele CA74743760.